The following is an entry in ClinVar:

NM_015662.3(IFT172):c.5070A>G (p.Gly1690=)

Genes: IFT172 (intraflagellar transport 172; minus strand), KRTCAP3 (keratinocyte associated protein 3; plus strand). Cytogenetic location: 2p23.3.
Variant type: single nucleotide variant.
Coding change: c.5070A>G on transcript NM_015662.3 (MANE Select); coding-DNA position 5070, A replaced by G.
Protein change: p.Gly1690=; no amino-acid change (glycine 1690 retained).
Molecular consequence: synonymous variant. On other transcripts: intron variant (1).
Genome position (GRCh38, 1-based): chr2:27,445,104, T>C on the plus strand (A>G on the coding strand, the complement: IFT172 is on the minus strand). VCF-style: chr2-27445104-T-C. GRCh37 (hg19) VCF-style: chr2-27667971-T-C.
Other names: c.5004A>G, p.Gly1668= (NM_001410739.1); c.*5+1043T>C (NM_001168364.2).
Identifiers: ClinVar variation 3356524 (VCV003356524.1).

ClinVar aggregate classification (germline): Likely benign (0 of 4 stars; one submission).

Conditions:
IFT172-related disorder. Also called: IFT172-related condition; IFT172-related disorders.

Submission:

PreventionGenetics, part of Exact Sciences
Classification: Likely benign for IFT172-related condition. Last evaluated: 2023-02-02. Review status: no assertion criteria provided. Collection method: clinical testing. Allele origin: germline.
Comment: This variant is classified as likely benign based on ACMG/AMP sequence variant interpretation guidelines (Richards et al. 2015 PMID: 25741868, with internal and published modifications).